The following is an entry in ClinVar:

ClinVar aggregate classification (germline): Uncertain significance (1 of 4 stars; one submission).

Submission:

GeneDx
Classification: Uncertain significance. Last evaluated: 2020-06-16. Review status: criteria provided, single submitter. Criteria: GeneDx Variant Classification Process June 2021. Collection method: clinical testing. Allele origin: germline. Affected: yes.
Comment: Not observed in large population cohorts (Lek et al., 2016); In-frame deletion of 1 amino acid in a non-repeat region; In silico analysis supports a deleterious effect on protein structure/function; Has not been previously published as pathogenic or benign to our knowledge

NM_001291415.2(KDM6A):c.63_65del (p.Glu22del)

Gene: KDM6A (lysine demethylase 6A; plus strand). Cytogenetic location: Xp11.3.
Variant type: Deletion.
Coding change: c.63_65del on transcript NM_001291415.2 (MANE Select); coding-DNA positions 63 to 65, 3 bases deleted (GGA; older notation c.63_65delGGA).
Protein change: p.Glu22del; deletes glutamic acid 22.
Molecular consequence: inframe deletion. On other transcripts: 5 prime UTR variant (1), non-coding transcript variant (1).
Genome position (GRCh38, 1-based): chrX:44,873,614-44,873,616, GGA deleted; deleting any 3 consecutive bases within chrX:44,873,612-44,873,616 gives the same sequence; the c. name uses the placement nearest the transcript's 3' end. VCF-style (leftmost placement, unchanged base first): chrX-44873611-TGAG-T. GRCh37 (hg19) VCF-style: chrX-44732857-TGAG-T.
Other names: c.63_65del, p.Glu22del (NM_001291416.2, NM_001291417.2, NM_001291418.2 and 1 more transcripts); c.-570_-568del (NM_001291421.2); short protein forms E22del.
Identifiers: ClinVar variation 1312705 (VCV001312705.2), dbSNP rs2146442198, ClinGen allele CA2507587730.